The following is an entry in ClinVar:

NM_001458.5(FLNC):c.5602G>T (p.Gly1868Cys)

Genes: FLNC-AS1 (FLNC antisense RNA 1; minus strand), FLNC (filamin C; plus strand). Cytogenetic location: 7q32.1.
Variant type: single nucleotide variant.
Coding change: c.5602G>T on transcript NM_001458.5 (MANE Select); coding-DNA position 5602, G replaced by T.
Protein change: p.Gly1868Cys; replaces glycine 1868 with cysteine.
Molecular consequence: missense variant.
Genome position (GRCh38, 1-based): chr7:128,851,294, G>T. VCF-style: chr7-128851294-G-T. GRCh37 (hg19) VCF-style: chr7-128491348-G-T.
Other names: c.5503G>T, p.Gly1835Cys (NM_001127487.2); short protein forms G1835C, G1868C.
Identifiers: ClinVar variation 3757340 (VCV003757340.2).

ClinVar aggregate classification (germline): Uncertain significance (1 of 4 stars; one submission).

Conditions:
Distal myopathy with posterior leg and anterior hand involvement. Also called: WILLIAMS DISTAL MYOPATHY. Identifiers: Orphanet 63273, MedGen C3279722, MONDO:0013550, OMIM 614065.
Hypertrophic cardiomyopathy 26. Also called: Cardiomyopathy, familial hypertrophic, 26. Identifiers: Orphanet 75249, MedGen C4310749, MONDO:0014883, OMIM 617047.
Myofibrillar myopathy 5. Also called: Filaminopathy (type); FILAMINOPATHY, AUTOSOMAL DOMINANT. Identifiers: Orphanet 171445, MedGen C1836050, MONDO:0012289, OMIM 609524.

Submission:

Labcorp Genetics (formerly Invitae), Labcorp
Classification: Uncertain significance for Distal myopathy with posterior leg and anterior hand involvement; Myofibrillar myopathy 5; Hypertrophic cardiomyopathy 26. Last evaluated: 2024-07-22. Review status: criteria provided, single submitter. Criteria: Invitae Variant Classification Sherloc (09022015). Collection method: clinical testing. Allele origin: germline.
Comment: This sequence change replaces glycine, which is neutral and non-polar, with cysteine, which is neutral and slightly polar, at codon 1868 of the FLNC protein (p.Gly1868Cys). This variant is not present in population databases (gnomAD no frequency). This variant has not been reported in the literature in individuals affected with FLNC-related conditions. Advanced modeling of protein sequence and biophysical properties (such as structural, functional, and spatial information, amino acid conservation, physicochemical variation, residue mobility, and thermodynamic stability) has been performed at Invitae for this missense variant, however the output from this modeling did not meet the statistical confidence thresholds required to predict the impact of this variant on FLNC protein function. In summary, the available evidence is currently insufficient to determine the role of this variant in disease. Therefore, it has been classified as a Variant of Uncertain Significance.